The following is an entry in ClinVar:

ClinVar aggregate classification (germline): Uncertain significance (1 of 4 stars; one submission).

Allele frequency attached by ClinVar (database versions not stated): TOPMed below 0.00001; ExAC 0.00001.
gnomAD v4.1: 4 of 1,614,078 alleles (0.00025%); highest among the groups gnomAD compares: East Asian, 0.0045%; no homozygotes.

Submission:

Labcorp Genetics (formerly Invitae), Labcorp
Classification: Uncertain significance. Last evaluated: 2022-08-03. Review status: criteria provided, single submitter. Criteria: Invitae Variant Classification Sherloc (09022015). Collection method: clinical testing. Allele origin: germline.
Comment: In summary, the available evidence is currently insufficient to determine the role of this variant in disease. Therefore, it has been classified as a Variant of Uncertain Significance. Algorithms developed to predict the effect of missense changes on protein structure and function output the following: SIFT: "Tolerated"; PolyPhen-2: "Possibly Damaging"; Align-GVGD: "Class C0". The arginine amino acid residue is found in multiple mammalian species, which suggests that this missense change does not adversely affect protein function. This variant has not been reported in the literature in individuals affected with RTN4IP1-related conditions. This variant is present in population databases (rs770685237, gnomAD 0.006%). This sequence change replaces lysine, which is basic and polar, with arginine, which is basic and polar, at codon 77 of the RTN4IP1 protein (p.Lys77Arg).

NM_032730.5(RTN4IP1):c.230A>G (p.Lys77Arg)

Gene: RTN4IP1 (reticulon 4 interacting protein 1; minus strand). Cytogenetic location: 6q21.
Variant type: single nucleotide variant.
Coding change: c.230A>G on transcript NM_032730.5 (MANE Select); coding-DNA position 230, A replaced by G.
Protein change: p.Lys77Arg; replaces lysine 77 with arginine.
Molecular consequence: missense variant. On other transcripts: intron variant (1).
Genome position (GRCh38, 1-based): chr6:106,628,792, T>C on the plus strand (A>G on the coding strand, the complement: RTN4IP1 is on the minus strand). VCF-style: chr6-106628792-T-C. GRCh37 (hg19) VCF-style: chr6-107076667-T-C.
Other names: c.-27+1535A>G (NM_001318746.1); short protein forms K77R.
Identifiers: ClinVar variation 2074765 (VCV002074765.4), dbSNP rs770685237, ClinGen allele CA3944571.